The following is an entry in ClinVar:

ClinVar aggregate classification (germline): Uncertain significance. Review status: criteria provided, multiple submitters, no conflicts (2 of 4 stars). 2 submissions from 2 submitters: Uncertain significance (2). Last evaluated 2025-12-15.

Conditions:
Chédiak-Higashi syndrome (CHS). Also called: Chediak-Higashi Syndrome. Identifiers: Orphanet 167, MedGen C0007965, MONDO:0008963, OMIM 214500.

Allele frequency attached by ClinVar (database versions not stated): ExAC 0.00001; gnomAD 0.00001; gnomAD exomes 0.00001 and 0.00002; TOPMed 0.00001.
gnomAD v4.1: 29 of 1,614,076 alleles (0.0018%); highest among the groups gnomAD compares: Non-Finnish European, 0.0023%; no homozygotes.

Submissions (2):

Labcorp Genetics (formerly Invitae), Labcorp
Classification: Uncertain significance for Chédiak-Higashi syndrome. Last evaluated: 2025-12-15. Review status: criteria provided, single submitter. Criteria: Invitae Variant Classification Sherloc (09022015). Collection method: clinical testing. Allele origin: germline.
Comment: This sequence change replaces leucine, which is neutral and non-polar, with phenylalanine, which is neutral and non-polar, at codon 2246 of the LYST protein (p.Leu2246Phe). This variant is present in population databases (rs758716853, gnomAD 0.0009%). This variant has not been reported in the literature in individuals affected with LYST-related conditions. ClinVar contains an entry for this variant (Variation ID: 1336567). Invitae Evidence Modeling of protein sequence and biophysical properties (such as structural, functional, and spatial information, amino acid conservation, physicochemical variation, residue mobility, and thermodynamic stability) indicates that this missense variant is not expected to disrupt LYST protein function with a negative predictive value of 80%. In summary, the available evidence is currently insufficient to determine the role of this variant in disease. Therefore, it has been classified as a Variant of Uncertain Significance.

Genetic Services Laboratory, University of Chicago
Classification: Uncertain significance. Last evaluated: 2018-02-28. Review status: criteria provided, single submitter. Criteria: ACMG Guidelines, 2015. Collection method: clinical testing. Allele origin: germline. Affected: no.

NM_000081.4(LYST):c.6736C>T (p.Leu2246Phe)

Gene: LYST (lysosomal trafficking regulator; minus strand). Cytogenetic location: 1q42.3.
Variant type: single nucleotide variant.
Coding change: c.6736C>T on transcript NM_000081.4 (MANE Select); coding-DNA position 6736, C replaced by T.
Protein change: p.Leu2246Phe; replaces leucine 2246 with phenylalanine.
Molecular consequence: missense variant.
Genome position (GRCh38, 1-based): chr1:235,759,117, G>A on the plus strand (C>T on the coding strand, the complement: LYST is on the minus strand). VCF-style: chr1-235759117-G-A. GRCh37 (hg19) VCF-style: chr1-235922417-G-A.
Other names: c.6736C>T, p.Leu2246Phe (NM_001301365.1); short protein forms L2246F.
Identifiers: ClinVar variation 1336567 (VCV001336567.6), dbSNP rs758716853, ClinGen allele CA1466325.
Genomic context (GRCh38, chr1:235,759,117, plus strand): 5'-CAAGACTTGGCCAACGGCCAACAGCTGCAGATCCGTTCTGTGAAGGAAAAGCTAGCCCAA[G>A]GCTTGCAATAGTGCTGTGGCTTCGCTGGAAGGAGGCCAATCCCTTTAGGTAATCAGGTCG-3'
Protein context (NP_000072.2, residues 2236-2256): FQRSHSTIAS[Leu2246Phe]GLAFPSQNGS